The following is an entry in ClinVar:

NM_016955.4(SEPSECS):c.176C>G (p.Ala59Gly)

Gene: SEPSECS (Sep (O-phosphoserine) tRNA:Sec (selenocysteine) tRNA synthase; minus strand). Cytogenetic location: 4p15.2.
Variant type: single nucleotide variant.
Coding change: c.176C>G on transcript NM_016955.4 (MANE Select); coding-DNA position 176, C replaced by G.
Protein change: p.Ala59Gly; replaces alanine 59 with glycine.
Molecular consequence: missense variant.
Genome position (GRCh38, 1-based): chr4:25,159,046, G>C on the plus strand (C>G on the coding strand, the complement: SEPSECS is on the minus strand). VCF-style: chr4-25159046-G-C. GRCh37 (hg19) VCF-style: chr4-25160668-G-C.
Other names: c.431C>G, p.Ala144Gly (NM_001410714.1); c.176C>G, p.Ala59Gly (NM_153825.2); short protein forms A144G, A59G.
Identifiers: ClinVar variation 2191928 (VCV002191928.1), dbSNP rs193096404, ClinGen allele CA2877518.

ClinVar aggregate classification (germline): Uncertain significance (1 of 4 stars; one submission).

Allele frequency attached by ClinVar (database versions not stated): ExAC 0.00001; TOPMed 0.00002; 1000 Genomes Project 30x 0.00016; 1000 Genomes Project 0.00020.

Submission:

Labcorp Genetics (formerly Invitae), Labcorp
Classification: Uncertain significance. Last evaluated: 2022-05-26. Review status: criteria provided, single submitter. Criteria: Invitae Variant Classification Sherloc (09022015). Collection method: clinical testing. Allele origin: germline.
Comment: This sequence change replaces alanine, which is neutral and non-polar, with glycine, which is neutral and non-polar, at codon 59 of the SEPSECS protein (p.Ala59Gly). This variant is present in population databases (rs193096404, gnomAD 0.007%). This variant has not been reported in the literature in individuals affected with SEPSECS-related conditions. Algorithms developed to predict the effect of missense changes on protein structure and function are either unavailable or do not agree on the potential impact of this missense change (SIFT: "Deleterious"; PolyPhen-2: "Benign"; Align-GVGD: "Class C0"). In summary, the available evidence is currently insufficient to determine the role of this variant in disease. Therefore, it has been classified as a Variant of Uncertain Significance.